The following is an entry in ClinVar:

ClinVar aggregate classification (germline): Uncertain significance (1 of 4 stars; one submission).

Submission:

Ambry Genetics
Classification: Uncertain significance. Last evaluated: 2025-05-02. Review status: criteria provided, single submitter. Criteria: Ambry Variant Classification Scheme 2023. Collection method: clinical testing. Allele origin: germline.
Comment: The p.T8I variant (also known as c.23C>T), located in coding exon 2 of the RECQL gene, results from a C to T substitution at nucleotide position 23. The threonine at codon 8 is replaced by isoleucine, an amino acid with similar properties. This amino acid position is conserved. In addition, this alteration is predicted to be tolerated by in silico analysis. Since supporting evidence is limited at this time, the clinical significance of this alteration remains unclear.

NM_002907.4(RECQL):c.23C>T (p.Thr8Ile)

Gene: RECQL (RecQ like helicase; minus strand). Cytogenetic location: 12p12.1.
Variant type: single nucleotide variant.
Coding change: c.23C>T on transcript NM_002907.4 (MANE Select); coding-DNA position 23, C replaced by T.
Protein change: p.Thr8Ile; replaces threonine 8 with isoleucine.
Molecular consequence: missense variant.
Genome position (GRCh38, 1-based): chr12:21,491,710, G>A on the plus strand (C>T on the coding strand, the complement: RECQL is on the minus strand). VCF-style: chr12-21491710-G-A. GRCh37 (hg19) VCF-style: chr12-21644644-G-A.
Other names: c.23C>T, p.Thr8Ile (NM_032941.3); short protein forms T8I.
Identifiers: ClinVar variation 2565566 (VCV002565566.3), dbSNP rs2540406012, ClinGen allele CA384134735.